The following is an entry in ClinVar:

ClinVar aggregate classification (germline): Benign (0 of 4 stars; one submission).

Conditions:
KIF26B-related disorder. Also called: KIF26B-related condition.

Allele frequency attached by ClinVar (database versions not stated): 1000 Genomes Project 0.14557; 1000 Genomes Project 30x 0.14694; ExAC 0.19830; TOPMed 0.22146; gnomAD 0.23043; gnomAD exomes 0.23525; ESP Exome Variant Server 0.24457.
gnomAD v4.1: 378,035 of 1,612,876 alleles (23%); highest among the groups gnomAD compares: Non-Finnish European, 26%; 47,636 homozygotes.

Submission:

PreventionGenetics, part of Exact Sciences
Classification: Benign for KIF26B-related condition. Last evaluated: 2019-10-28. Review status: no assertion criteria provided. Collection method: clinical testing. Allele origin: germline.
Comment: This variant is classified as benign based on ACMG/AMP sequence variant interpretation guidelines (Richards et al. 2015 PMID: 25741868, with internal and published modifications).

NM_018012.4(KIF26B):c.3810C>T (p.Asp1270=)

Gene: KIF26B (kinesin family member 26B; plus strand). Cytogenetic location: 1q44.
Variant type: single nucleotide variant.
Coding change: c.3810C>T on transcript NM_018012.4 (MANE Select); coding-DNA position 3810, C replaced by T.
Protein change: p.Asp1270=; no amino-acid change (aspartic acid 1270 retained).
Molecular consequence: synonymous variant.
Genome position (GRCh38, 1-based): chr1:245,686,793, C>T. VCF-style: chr1-245686793-C-T. GRCh37 (hg19) VCF-style: chr1-245850095-C-T.
Identifiers: ClinVar variation 3059799 (VCV003059799.2), dbSNP rs871840, ClinGen allele CA1488339.